The following is an entry in ClinVar:

ClinVar aggregate classification (germline): Conflicting classifications of pathogenicity. Review status: criteria provided, conflicting classifications (1 of 4 stars). 7 submissions from 7 submitters: Likely pathogenic (6); Uncertain significance (1). Last evaluated 2026-07-17.

Conditions:
Cardiovascular phenotype. Identifiers: MedGen CN230736.
Wolman disease (WOLD). Also called: LAL DEFICIENCY, COMPLETE; CHOLESTEROL ESTER HYDROLASE DEFICIENCY, COMPLETE; Wolman disease with hypolipoproteinemia and acanthocytosis; Wolman disease, CESD; Infantile-Onset LAL-D (Wolman Disease); LYSOSOMAL ACID LIPASE DEFICIENCY, ACUTE INFANTILE. Identifiers: Orphanet 75233, MedGen C0043208, MONDO:0019148, OMIM 620151.
Lysosomal acid lipase deficiency. Also called: Acid cholesteryl ester hydrolase deficiency, type 2. Identifiers: Orphanet 275761, MedGen C5574740, MONDO:0800449, MONDO:0010204.

Allele frequency attached by ClinVar (database versions not stated): gnomAD 0.00001; ExAC 0.00002; gnomAD exomes 0.00002; TOPMed 0.00004.
gnomAD v4.1: 38 of 1,611,768 alleles (0.0024%); highest among the groups gnomAD compares: South Asian, 0.0033%; 1 homozygote.

Submissions (7):

Myriad Genetics, Inc.
Classification: Uncertain significance for Lysosomal acid lipase deficiency. Last evaluated: 2026-07-17. Review status: criteria provided, single submitter. Criteria: Myriad Autosomal Dominant, Autosomal Recessive and X-Linked Classification Criteria (2023). Collection method: clinical testing. Allele origin: unknown.
Comment: NM_000235.2(LIPA):c.920C>A(A307D) is a missense variant classified as a variant of uncertain significance in the context of lysosomal acid lipase deficiency. A307D has been observed in a case with relevant disease (PMID: 27624512). Relevant functional assessments of this variant are available in the literature (PMID: 31180157). A307D has been observed in referenced population frequency databases. In summary, there is insufficient evidence to classify NM_000235.2(LIPA):c.920C>A(A307D) as pathogenic or benign. Please note: this variant was assessed in the context of healthy population screening.

Ambry Genetics
Classification: Likely pathogenic for Cardiovascular phenotype. Last evaluated: 2026-02-24. Review status: criteria provided, single submitter. Criteria: Ambry Variant Classification Scheme 2023. Collection method: clinical testing. Allele origin: germline.
Comment: The p.A307D variant (also known as c.920C>A), located in coding exon 8 of the LIPA gene, results from a C to A substitution at nucleotide position 920. The alanine at codon 307 is replaced by aspartic acid, an amino acid with dissimilar properties. This variant has been identified in the homozygous state and/or in conjunction with other LIPA variant(s) in individual(s) with features consistent with lysosomal acid lipase deficiency (Himes RW et al. Pediatrics, 2016 Oct;138). In an assay testing LIPA function, this variant showed a functionally abnormal result (Del Angel G et al. Hum Mutat, 2019 Nov;40:2007-2020). This amino acid position is highly conserved in available vertebrate species. In addition, this alteration is predicted to be deleterious by in silico analysis. This variant is considered to be rare based on population cohorts in the Genome Aggregation Database (gnomAD). Based on the majority of available evidence to date, this variant is likely to be pathogenic.

Natera, Inc.
Classification: Likely pathogenic for Lysosomal acid lipase deficiency. Last evaluated: 2025-06-12. Review status: criteria provided, single submitter. Criteria: Natera Variant Classification Schema (03/2026). Collection method: clinical testing. Allele origin: germline.
Comment: The c.920C>A variant in LIPA is a missense variant predicted to cause substitution of alanine to aspartic acid at amino acid 307. This variant is rare in the general population with a frequency below the threshold expected for the associated phenotype(s). This variant has been observed in one or more individuals affected with the associated recessive disease, as either homozygous or compound heterozygous with a second variant (PMID: 27624512). Functional studies show that this variant may disrupt protein function (PMID: 31180157). Computational prediction algorithms indicate this variant is likely to affect gene or protein function. Given the available evidence, this variant is classified as Likely Pathogenic.

Labcorp Genetics (formerly Invitae), Labcorp
Classification: Likely pathogenic for Wolman disease. Last evaluated: 2023-11-18. Review status: criteria provided, single submitter. Criteria: Invitae Variant Classification Sherloc (09022015). Collection method: clinical testing. Allele origin: germline.
Comment: This sequence change replaces alanine, which is neutral and non-polar, with aspartic acid, which is acidic and polar, at codon 307 of the LIPA protein (p.Ala307Asp). This variant is present in population databases (rs754964952, gnomAD 0.004%). This missense change has been observed in individual(s) with lysosomal acid lipase deficiency (PMID: 27624512). ClinVar contains an entry for this variant (Variation ID: 695045). Advanced modeling of protein sequence and biophysical properties (such as structural, functional, and spatial information, amino acid conservation, physicochemical variation, residue mobility, and thermodynamic stability) performed at Invitae indicates that this missense variant is expected to disrupt LIPA protein function with a positive predictive value of 80%. Experimental studies have shown that this missense change affects LIPA function (PMID: 31180157). In summary, the currently available evidence indicates that the variant is pathogenic, but additional data are needed to prove that conclusively. Therefore, this variant has been classified as Likely Pathogenic.

Women's Health and Genetics/Laboratory Corporation of America, LabCorp
Classification: Likely pathogenic for Wolman disease. Last evaluated: 2023-06-23. Review status: criteria provided, single submitter. Criteria: LabCorp Variant Classification Summary - May 2015. Collection method: clinical testing. Allele origin: germline.
Comment: Variant summary: LIPA c.920C>A (p.Ala307Asp) results in a non-conservative amino acid change in the encoded protein sequence. Five of five in-silico tools predict a damaging effect of the variant on protein function. The variant allele was found at a frequency of 2.4e-05 in 251338 control chromosomes (gnomAD). c.920C>A has been reported in the literature in at least one individual affected with Lysosomal Acid Lipase Deficiency (Himes_2016). These data do not allow any conclusion about variant significance. Functional in vitro assays using cell lysates from stably transfected cells show the variant had <10% LAL activity compared to wild-type (Del Angel_2019). The following publications have been ascertained in the context of this evaluation (PMID: 31180157, 27624512). Three ClinVar submitters have assessed the variant since 2014: all three classified the variant as likely pathogenic. Based on the evidence outlined above, the variant was classified as likely pathogenic.

Revvity Omics, Revvity
Classification: Likely pathogenic. Last evaluated: 2022-10-31. Review status: criteria provided, single submitter. Criteria: ACMG Guidelines, 2015. Collection method: clinical testing. Allele origin: germline.

Alexion, Astrazeneca Rare Disease, Astrazeneca
Classification: Likely pathogenic for Lysosomal acid lipase deficiency. Last evaluated: 2019-06-01. Review status: criteria provided, single submitter. Criteria: ACMG Guidelines, 2015. Collection method: research. Allele origin: germline. Affected: yes.
Comment: ACMG PS3 criterion ascertained by in-vitro functional study, PMID:31180157

Literature cited by the submitters: PubMed 27624512 (cited by 6 submitters); PubMed 31180157 (cited by 6 submitters).

NM_000235.4(LIPA):c.920C>A (p.Ala307Asp)

Gene: LIPA (lipase A, lysosomal acid type; minus strand). Cytogenetic location: 10q23.31.
Variant type: single nucleotide variant.
Coding change: c.920C>A on transcript NM_000235.4 (MANE Select); coding-DNA position 920, C replaced by A.
Protein change: p.Ala307Asp; replaces alanine 307 with aspartic acid.
Molecular consequence: missense variant.
Genome position (GRCh38, 1-based): chr10:89,215,984, G>T on the plus strand (C>A on the coding strand, the complement: LIPA is on the minus strand). VCF-style: chr10-89215984-G-T. GRCh37 (hg19) VCF-style: chr10-90975741-G-T.
Other names: c.920C>A (NM_000235.3, NM_000235.2); c.920C>A, p.Ala307Asp (NM_001127605.3); c.572C>A, p.Ala191Asp (NM_001288979.2); short protein forms A191D, A307D.
Identifiers: ClinVar variation 695045 (VCV000695045.14), dbSNP rs754964952, ClinGen allele CA5593565.
Genomic context (GRCh38, chr10:89,215,984, plus strand): 5'-ACTAAAAACTTTACCTGGTTGTAATGAAAATAATTCTTGGCACTGCTTCCCCAGTCAAAG[G>T]CTTGAAACTTTTGGAATTTAACAGCCTAAAAAGAAGATAATTTGGAAAAGAGTTATCTGA-3'
Protein context (NP_000226.2, residues 297-317): SQAVKFQKFQ[Ala307Asp]FDWGSSAKNY